The following is an entry in ClinVar:

NM_005912.3(MC4R):c.415A>C (p.Ser139Arg)

Gene: MC4R (melanocortin 4 receptor; minus strand). Cytogenetic location: 18q21.32.
Variant type: single nucleotide variant.
Coding change: c.415A>C on transcript NM_005912.3 (MANE Select); coding-DNA position 415, A replaced by C.
Protein change: p.Ser139Arg; replaces serine 139 with arginine.
Molecular consequence: missense variant.
Genome position (GRCh38, 1-based): chr18:60,371,935, T>G on the plus strand (A>C on the coding strand, the complement: MC4R is on the minus strand). VCF-style: chr18-60371935-T-G. GRCh37 (hg19) VCF-style: chr18-58039168-T-G.
Other names: short protein forms S139R.
Identifiers: ClinVar variation 4984491 (VCV004984491.1).

ClinVar aggregate classification (germline): Uncertain significance (1 of 4 stars; one submission).

Conditions:
MC4R-related disorder. Also called: MC4R-related condition.

Submission:

PreventionGenetics, part of Exact Sciences
Classification: Uncertain significance for MC4R-related condition. Last evaluated: 2026-09-15. Review status: criteria provided, single submitter. Criteria: ACMG Guidelines, 2015. Collection method: clinical testing. Allele origin: germline.
Comment: The MC4R c.415A>C variant is predicted to result in the amino acid substitution p.Ser139Arg. To our knowledge, this variant has not been reported in the literature or in a large population database (gnomAD), indicating this variant is rare. At this time, the clinical significance of this variant is uncertain due to the absence of conclusive functional and genetic evidence.